The following is an entry in ClinVar:

NM_003060.4(SLC22A5):c.83G>T (p.Ser28Ile)

Gene: SLC22A5 (solute carrier family 22 member 5; plus strand). Cytogenetic location: 5q31.1.
Variant type: single nucleotide variant.
Coding change: c.83G>T on transcript NM_003060.4 (MANE Select); coding-DNA position 83, G replaced by T.
Protein change: p.Ser28Ile; replaces serine 28 with isoleucine.
Molecular consequence: missense variant.
Genome position (GRCh38, 1-based): chr5:132,370,055, G>T. VCF-style: chr5-132370055-G-T. GRCh37 (hg19) VCF-style: chr5-131705747-G-T.
Other names: c.83G>T, p.Ser28Ile (NM_001308122.2).
Identifiers: ClinVar variation 25354 (VCV000025354.20), dbSNP rs72552724, ClinGen allele CA342613.

ClinVar aggregate classification (germline): Pathogenic/Likely pathogenic. Review status: criteria provided, multiple submitters, no conflicts (2 of 4 stars). 6 submissions from 6 submitters: Pathogenic (4); Likely pathogenic (1). 1 of the submissions does not count toward it. Last evaluated 2026-01-05.

Conditions:
SLC22A5-related disorder. Also called: SLC22A5-related condition.
Renal carnitine transport defect (CDSP). Also called: Systemic primary carnitine deficiency; Carnitine transporter deficiency; Primary carnitine deficiency; Carnitine Deficiency, Systemic; Systemic primary carnitine deficiency disease; CARNITINE DEFICIENCY, SYSTEMIC, DUE TO DEFECT IN RENAL REABSORPTION OF CARNITINE. Identifiers: Orphanet 158, MedGen C0342788, MONDO:0008919, OMIM 212140.

Allele frequency attached by ClinVar (database versions not stated): gnomAD exomes 0.00001.
gnomAD v4.1: 3 of 1,613,342 alleles (0.00019%); highest among the groups gnomAD compares: Middle Eastern, 0.05%; no homozygotes.

Submissions (6):

GeneDx
Classification: Pathogenic. Last evaluated: 2026-01-05. Review status: criteria provided, single submitter. Criteria: GeneDx Variant Classification Process June 2021. Collection method: clinical testing. Allele origin: germline. Affected: yes.
Comment: Functional studies of the p.(S28I) variant show significantly decreased transport activity compared to cells expressing the wildtype genotype (PMID: 28841266); In silico analysis supports that this missense variant has a deleterious effect on protein structure/function; Not observed at significant frequency in large population cohorts (gnomAD); This variant is associated with the following publications: (PMID: 23379544, 16652335, 26828774, 12408185, 16602102, 28841266, 40700042)

Revvity Omics, Revvity
Classification: Likely pathogenic for Renal carnitine transport defect. Last evaluated: 2024-10-16. Review status: criteria provided, single submitter. Criteria: ACMG Guidelines, 2015. Collection method: clinical testing. Allele origin: germline.

Genomic Medicine Center of Excellence, King Faisal Specialist Hospital and Research Centre
Classification: Pathogenic for Renal carnitine transport defect. Last evaluated: 2024-03-29. Review status: criteria provided, single submitter. Criteria: ACMG Guidelines, 2015. Collection method: clinical testing. Allele origin: germline.

Genome-Nilou Lab
Classification: Pathogenic for Renal carnitine transport defect. Last evaluated: 2021-07-15. Review status: criteria provided, single submitter. Criteria: ACMG Guidelines, 2015. Collection method: clinical testing. Allele origin: germline. Affected: no.

Labcorp Genetics (formerly Invitae), Labcorp
Classification: Pathogenic for Renal carnitine transport defect. Last evaluated: 2019-11-28. Review status: criteria provided, single submitter. Criteria: Invitae Variant Classification Sherloc (09022015). Collection method: clinical testing. Allele origin: germline.
Comment: For these reasons, this variant has been classified as Pathogenic. This variant has been reported to affect SLC22A5 protein function (PMID: 28841266). Advanced modeling of protein sequence and biophysical properties (such as structural, functional, and spatial information, amino acid conservation, physicochemical variation, residue mobility, and thermodynamic stability) performed at Invitae indicates that this missense variant is expected to disrupt SLC22A5 protein function. This variant has been observed to be homozygous in individuals affected with primary carnitine deficiency (PMID: 12408185, 23379544). ClinVar contains an entry for this variant (Variation ID: 25354). This variant is not present in population databases (ExAC no frequency). This sequence change replaces serine with isoleucine at codon 28 of the SLC22A5 protein (p.Ser28Ile). The serine residue is highly conserved and there is a large physicochemical difference between serine and isoleucine.

PreventionGenetics, part of Exact Sciences
Classification: Likely pathogenic for SLC22A5-related condition. Last evaluated: 2024-05-31. Review status: no assertion criteria provided. Collection method: clinical testing. Allele origin: germline. Not counted in ClinVar's aggregate classification.
Comment: The SLC22A5 c.83G>T variant is predicted to result in the amino acid substitution p.Ser28Ile. This variant has been reported in individuals with systemic primary carnitine deficiency, and functional studies support its pathogenicity (Rahbeeni et al. 2002. PubMed ID: 12408185; Frigeni et al. 2017. PubMed ID: 28841266). This variant has not been reported in a large population database, indicating this variant is rare. This variant is interpreted as likely pathogenic.

Literature cited by the submitters: PubMed 28841266 (cited by Labcorp Genetics (formerly Invitae), Labcorp); PubMed 12408185 (cited by Labcorp Genetics (formerly Invitae), Labcorp); PubMed 23379544 (cited by Labcorp Genetics (formerly Invitae), Labcorp).